The following is an entry in ClinVar:

NM_003477.3(PDHX):c.1292T>C (p.Val431Ala)

Gene: PDHX (pyruvate dehydrogenase complex component X; plus strand). Cytogenetic location: 11p13.
Variant type: single nucleotide variant.
Coding change: c.1292T>C on transcript NM_003477.3 (MANE Select); coding-DNA position 1292, T replaced by C.
Protein change: p.Val431Ala; replaces valine 431 with alanine.
Molecular consequence: missense variant.
Genome position (GRCh38, 1-based): chr11:34,994,958, T>C. VCF-style: chr11-34994958-T-C. GRCh37 (hg19) VCF-style: chr11-35016505-T-C.
Other names: c.1112T>C, p.Val371Ala (NM_001135024.2); c.611T>C, p.Val204Ala (NM_001166158.2); short protein forms V431A, V204A, V371A.
Identifiers: ClinVar variation 931240 (VCV000931240.3), dbSNP rs756023441, ClinGen allele CA5946178.

ClinVar aggregate classification (germline): Likely pathogenic (1 of 4 stars; one submission).

Conditions:
Pyruvate dehydrogenase E3-binding protein deficiency (PDHXD). Also called: E3-Binding Protein (Component X) Deficiency; PYRUVATE HYDROGENASE E3-BINDING PROTEIN DEFICIENCY; LACTIC ACIDEMIA DUE TO DEFECT IN LIPOYL-CONTAINING COMPONENT X OF THE PYRUVATE DEHYDROGENASE COMPLEX; Lacticacidemia due to PDX1 deficiency. Identifiers: Orphanet 255182, MedGen C1855553, MONDO:0009503, OMIM 245349.

Allele frequency attached by ClinVar (database versions not stated): ExAC 0.00001; gnomAD 0.00001; gnomAD exomes below 0.00001; TOPMed 0.00002.
gnomAD v4.1: 2 of 1,613,826 alleles (0.00012%); highest among the groups gnomAD compares: African/African-American, 0.0027%; no homozygotes.

Submission:

Centre for Mendelian Genomics, University Medical Centre Ljubljana
Classification: Likely pathogenic for Pyruvate dehydrogenase E3-binding protein deficiency. Last evaluated: 2019-12-13. Review status: criteria provided, single submitter. Criteria: ACMG Guidelines, 2015. Collection method: clinical testing. Allele origin: unknown. Affected: yes.
Comment: This variant was classified as: Likely pathogenic. The following ACMG criteria were applied in classifying this variant: PM2,PP3,PS2.